The following is an entry in ClinVar:

NM_000261.2(MYOC):c.754G>A (p.Gly252Arg)

Gene: MYOC (myocilin; minus strand). Cytogenetic location: 1q24.3.
Variant type: single nucleotide variant.
Coding change: c.754G>A on transcript NM_000261.2 (MANE Select); coding-DNA position 754, G replaced by A.
Protein change: p.Gly252Arg; replaces glycine 252 with arginine.
Molecular consequence: missense variant.
Genome position (GRCh38, 1-based): chr1:171,636,686, C>T on the plus strand (G>A on the coding strand, the complement: MYOC is on the minus strand). VCF-style: chr1-171636686-C-T. GRCh37 (hg19) VCF-style: chr1-171605826-C-T.
Other names: NM_000261.2(MYOC):c.754G>A; short protein forms G252R.
Identifiers: ClinVar variation 7960 (VCV000007960.8), dbSNP rs74315341, ClinGen allele CA119185.

ClinVar aggregate classification (germline): Pathogenic. Review status: reviewed by expert panel (3 of 4 stars). 3 submissions from 3 submitters: Pathogenic (1). 2 of the submissions do not count toward it. Last evaluated 2025-12-03.

Conditions:
MYOC-related disorder. Also called: MYOC-related disorders; MYOC-related condition. Identifiers: MedGen CN239330.
Glaucoma 1, open angle, A (GLC1A). Also called: Glaucoma, Dominant (Juvenile Onset). Identifiers: Orphanet 98977, MedGen C1842028, MONDO:0007664, OMIM 137750.
Open-angle glaucoma. Identifiers: MedGen C0017612, MONDO:0005338, HP:0012108.

Allele frequency attached by ClinVar (database versions not stated): gnomAD exomes below 0.00001.
gnomAD v4.1: 2 of 1,602,820 alleles (0.00012%); highest among the groups gnomAD compares: Non-Finnish European, 0.00017%; no homozygotes.

Submissions (3):

ClinGen Glaucoma Variant Curation Expert Panel
Classification: Pathogenic for Open-angle glaucoma. Last evaluated: 2025-12-03. Review status: reviewed by expert panel. Criteria: ClinGen Glaucoma ACMG Specifications V2.0.0 Approved. Collection method: curation. Allele origin: germline. Inheritance: Autosomal dominant inheritance.
Comment: The c.754G>A variant in MYOC is a missense variant predicted to cause substitution of Glycine by Arginine at amino acid 252 (p.Gly252Arg). The highest minor allele frequency of this variant was in the European (non-Finnish) genetic ancestry group of gnomAD (v4.1.0) = 0.000001695 (2 alleles out of 1,179,958), which met the ≤ 0.0001 threshold set for PM2_Supporting in a genetic ancestry group of at least 10,000 alleles. The REVEL score = 0.798, which was within the 0.773-0.931 range for PP3_Moderate, predicting a damaging effect on MYOC function. The Gly252Arg protein had increased insolubility, instability and reduced secretion levels compared to wild type myocilin protein in these studies (PMIDs: 16466712, 21612213, 23129764, 25524706). The assays met the OddsPath threshold for PS3_Moderate (> 4.3), indicating that this variant did impact protein function. This protein has also been assessed in this other study (PMID: 11004290), however, the same level of evidence was not met. 17 segregations in 3 families, with juvenile or primary open angle glaucoma (JOAG or POAG), have been reported (PMIDs: 17210859, 10873982, 15326130), which fulfilled PP1_Strong (≥ 7 meioses in > 1 family). 4 probands with JOAG or POAG have been reported carrying this variant (PMIDs: 17210859, 10873982, 9772276, 15326130), which met PS4_Supporting (≥ 2 probands). In summary, this variant met the criteria to receive a score of 10 and to be classified as pathogenic (pathogenic classification ≥ 10, adapted from PMID: 32720330) for juvenile open angle glaucoma based on the ACMG/AMP criteria met, as specified by the ClinGen Glaucoma VCEP (v2.0.0, 5 Dec 2024): PP1_Strong, PS3_Moderate, PP3_Moderate, PS4_Supporting, PM2_Supporting

Blueprint Genetics
Classification: Pathogenic for MYOC-related disorders. Last evaluated: 2023-02-10. Review status: criteria provided, single submitter. Criteria: ACMG Guidelines, 2015. Collection method: clinical testing. Allele origin: germline. Affected: yes. Observed: 2 variant alleles. Not counted in ClinVar's aggregate classification.

OMIM
Classification: Pathogenic for GLAUCOMA 1, OPEN ANGLE, A. Last evaluated: 2007-01-01. Review status: no assertion criteria provided. Collection method: literature only. Allele origin: germline. Not counted in ClinVar's aggregate classification.

Literature cited by the submitters: PubMed 11004290 (cited by ClinGen Glaucoma Variant Curation Expert Panel and OMIM); PubMed 21612213 (cited by ClinGen Glaucoma Variant Curation Expert Panel); PubMed 23129764 (cited by ClinGen Glaucoma Variant Curation Expert Panel); PubMed 25524706 (cited by ClinGen Glaucoma Variant Curation Expert Panel); PubMed 10873982 (cited by OMIM); PubMed 17210859 (cited by OMIM).